The following is an entry in ClinVar:

ClinVar aggregate classification (germline): Uncertain significance (1 of 4 stars; one submission).

Conditions:
Charcot-Marie-Tooth disease type 2. Also called: Charcot-Marie-Tooth type 2. Identifiers: Orphanet 64746, MedGen C0270914, MONDO:0018993.

Submission:

Labcorp Genetics (formerly Invitae), Labcorp
Classification: Uncertain significance for Charcot-Marie-Tooth disease type 2. Last evaluated: 2024-10-15. Review status: criteria provided, single submitter. Criteria: Invitae Variant Classification Sherloc (09022015). Collection method: clinical testing. Allele origin: germline.
Comment: This sequence change replaces histidine, which is basic and polar, with glutamine, which is neutral and polar, at codon 31 of the MFN2 protein (p.His31Gln). This variant is not present in population databases (gnomAD no frequency). This variant has not been reported in the literature in individuals affected with MFN2-related conditions. Invitae Evidence Modeling of protein sequence and biophysical properties (such as structural, functional, and spatial information, amino acid conservation, physicochemical variation, residue mobility, and thermodynamic stability) has been performed for this missense variant. However, the output from this modeling did not meet the statistical confidence thresholds required to predict the impact of this variant on MFN2 protein function. In summary, the available evidence is currently insufficient to determine the role of this variant in disease. Therefore, it has been classified as a Variant of Uncertain Significance.

NM_014874.4(MFN2):c.93C>G (p.His31Gln)

Gene: MFN2 (mitofusin 2; plus strand). Cytogenetic location: 1p36.22.
Variant type: single nucleotide variant.
Coding change: c.93C>G on transcript NM_014874.4 (MANE Select); coding-DNA position 93, C replaced by G.
Protein change: p.His31Gln; replaces histidine 31 with glutamine.
Molecular consequence: missense variant.
Genome position (GRCh38, 1-based): chr1:11,989,261, C>G. VCF-style: chr1-11989261-C-G. GRCh37 (hg19) VCF-style: chr1-12049318-C-G.
Other names: c.93C>G, p.His31Gln (NM_001127660.2); short protein forms H31Q.
Identifiers: ClinVar variation 2750672 (VCV002750672.3), dbSNP rs2522962020, ClinGen allele CA338459599.